The following is an entry in ClinVar:

NM_004565.3(PEX14):c.398C>G (p.Pro133Arg)

Gene: PEX14 (peroxisomal biogenesis factor 14; plus strand). Cytogenetic location: 1p36.22.
Variant type: single nucleotide variant.
Coding change: c.398C>G on transcript NM_004565.3 (MANE Select); coding-DNA position 398, C replaced by G.
Protein change: p.Pro133Arg; replaces proline 133 with arginine.
Molecular consequence: missense variant.
Genome position (GRCh38, 1-based): chr1:10,623,032, C>G. VCF-style: chr1-10623032-C-G. GRCh37 (hg19) VCF-style: chr1-10683089-C-G.
Other names: short protein forms P133R.
Identifiers: ClinVar variation 3705592 (VCV003705592.2).

ClinVar aggregate classification (germline): Uncertain significance (1 of 4 stars; one submission).

Conditions:
Peroxisome biogenesis disorder, complementation group K (CGK). Identifiers: MedGen C1866257, MONDO:0800365.

gnomAD v4.1: 3 of 1,613,214 alleles (0.00019%); highest among the groups gnomAD compares: Non-Finnish European, 0.00025%; no homozygotes.

Submission:

Labcorp Genetics (formerly Invitae), Labcorp
Classification: Uncertain significance for Peroxisome biogenesis disorder, complementation group K. Last evaluated: 2024-05-15. Review status: criteria provided, single submitter. Criteria: Invitae Variant Classification Sherloc (09022015). Collection method: clinical testing. Allele origin: germline.
Comment: This sequence change replaces proline, which is neutral and non-polar, with arginine, which is basic and polar, at codon 133 of the PEX14 protein (p.Pro133Arg). This variant is not present in population databases (gnomAD no frequency). This variant has not been reported in the literature in individuals affected with PEX14-related conditions. Advanced modeling of protein sequence and biophysical properties (such as structural, functional, and spatial information, amino acid conservation, physicochemical variation, residue mobility, and thermodynamic stability) performed at Invitae indicates that this missense variant is expected to disrupt PEX14 protein function with a positive predictive value of 80%. In summary, the available evidence is currently insufficient to determine the role of this variant in disease. Therefore, it has been classified as a Variant of Uncertain Significance.